The following is an entry in ClinVar:

NM_020066.5(FMN2):c.4068T>C (p.Val1356=)

Genes: FMN2 (formin 2; plus strand), LOC126806069 (CDK7 strongly-dependent group 2 enhancer GRCh37_chr1:240421073-240422272; plus strand). Cytogenetic location: 1q43.
Variant type: single nucleotide variant.
Coding change: c.4068T>C on transcript NM_020066.5 (MANE Select); coding-DNA position 4068, T replaced by C.
Protein change: p.Val1356=; no amino-acid change (valine 1356 retained).
Molecular consequence: synonymous variant.
Genome position (GRCh38, 1-based): chr1:240,257,947, T>C. VCF-style: chr1-240257947-T-C. GRCh37 (hg19) VCF-style: chr1-240421247-T-C.
Other names: c.4080T>C, p.Val1360= (NM_001305424.2); c.1989T>C, p.Val663= (NM_001348094.2).
Identifiers: ClinVar variation 435234 (VCV000435234.12), dbSNP rs141335669, ClinGen allele CA1477398.

ClinVar aggregate classification (germline): Conflicting classifications of pathogenicity. Review status: criteria provided, conflicting classifications (1 of 4 stars). 4 submissions from 4 submitters: Uncertain significance (2); Likely benign (1). 1 of the submissions does not count toward it. Last evaluated 2024-07-08.

Conditions:
FMN2-related disorder. Also called: FMN2-related condition.

Allele frequency attached by ClinVar (database versions not stated): gnomAD exomes 0.00005 and 0.00015; 1000 Genomes Project 30x 0.00016; ExAC 0.00016; 1000 Genomes Project 0.00020; gnomAD 0.00058 and 0.00063; TOPMed 0.00061; ESP Exome Variant Server 0.00077.
gnomAD v4.1: 157 of 1,612,830 alleles (0.0097%); highest among the groups gnomAD compares: African/African-American, 0.2%; no homozygotes.

Submissions (4):

Women's Health and Genetics/Laboratory Corporation of America, LabCorp
Classification: Uncertain significance. Last evaluated: 2024-07-08. Review status: criteria provided, single submitter. Criteria: LabCorp Variant Classification Summary - May 2015. Collection method: clinical testing. Allele origin: germline.
Comment: Variant summary: FMN2 c.4068T>C (p.Val1356Val) alters a conserved nucleotide located close to a canonical splice site and therefore could affect mRNA splicing, leading to a significantly altered protein sequence. Consensus agreement among computation tools predict no significant impact on normal splicing. However, these predictions have yet to be confirmed by functional studies. The variant allele was found at a frequency of 0.00015 in 250484 control chromosomes. This frequency is not significantly higher than estimated for a pathogenic variant in FMN2 causing Intellectual Disability, Autosomal Recessive 47, allowing no conclusion about variant significance. To our knowledge, no occurrence of c.4068T>C in individuals affected with Intellectual Disability, Autosomal Recessive 47 and no experimental evidence demonstrating its impact on protein function have been reported. ClinVar contains an entry for this variant (Variation ID: 435234). Based on the evidence outlined above, the variant was classified as uncertain significance.

Labcorp Genetics (formerly Invitae), Labcorp
Classification: Likely benign. Last evaluated: 2018-03-29. Review status: criteria provided, single submitter. Criteria: Invitae Variant Classification Sherloc (09022015). Collection method: clinical testing. Allele origin: germline.

Genetic Services Laboratory, University of Chicago
Classification: Uncertain significance. Last evaluated: 2017-03-31. Review status: criteria provided, single submitter. Criteria: ACMG Guidelines, 2015. Collection method: clinical testing. Allele origin: germline. Affected: no.

PreventionGenetics, part of Exact Sciences
Classification: Likely benign for FMN2-related condition. Last evaluated: 2021-01-20. Review status: no assertion criteria provided. Collection method: clinical testing. Allele origin: germline. Not counted in ClinVar's aggregate classification.
Comment: This variant is classified as likely benign based on ACMG/AMP sequence variant interpretation guidelines (Richards et al. 2015 PMID: 25741868, with internal and published modifications).